The following is an entry in ClinVar:

ClinVar aggregate classification (germline): Pathogenic (3 of 4 stars; one submission).

Conditions:
Lynch syndrome. Identifiers: Orphanet 144, MedGen C4552100, MONDO:0005835. Disease mechanism: loss of function.

Submission:

International Society for Gastrointestinal Hereditary Tumours (InSiGHT)
Classification: Pathogenic for Lynch Syndrome. Last evaluated: 2013-09-05. Review status: reviewed by expert panel. Criteria: Guidelines v1.9. Collection method: research. Allele origin: germline.
Comment: In-frame large deletion interrupting lever & ATPase domain [pmid:22232658 Schopf:2012]

Classified with v1.9 guidelines

NM_000179.3(MSH6):c.3173-433_3556+228del

Gene: MSH6 (mutS homolog 6; plus strand). Cytogenetic location: 2p16.3.
Variant type: Deletion.
Coding change: c.3173-433_3556+228del on transcript NM_000179.3 (MANE Select); 433 bases into the intron before coding-DNA position 3173 through 228 bases into the intron after coding-DNA position 3556, 2,269 bases deleted.
Molecular consequence: splice acceptor variant, splice donor variant.
Genome position (GRCh38, 1-based): chr2:47,802,987-47,805,255, 2,269 bases deleted. GRCh37 (hg19): chr2:48,030,126-48,032,394.
Other names: c.2267-433_2650+228del (NM_001281493.2, NM_001281494.2); c.2783-433_3166+228del (NM_001281492.2).
Identifiers: ClinVar variation 89348 (VCV000089348.2), ClinGen allele CA330501.